The following is an entry in ClinVar:

ClinVar aggregate classification (germline): Uncertain significance (1 of 4 stars; one submission).

Conditions:
Ehlers-Danlos syndrome, classic type, 1 (EDSCL1). Also called: EHLERS-DANLOS SYNDROME, GRAVIS TYPE; EHLERS-DANLOS SYNDROME, SEVERE CLASSIC TYPE; Ehlers-Danlos syndrome, type 1; Ehlers-Danlos Syndrome, Classic Type, COL5A1-Related; EDS I. Identifiers: MedGen C0268335, MONDO:0019567, OMIM 130000.
Osteogenesis imperfecta type I (OI1). Also called: OI, TYPE I; OSTEOGENESIS IMPERFECTA TARDA; OSTEOGENESIS IMPERFECTA WITH BLUE SCLERAE; Osteogenesis imperfecta type 1; Lobstein's Disease; Lobstein disease. Identifiers: Orphanet 216796, Orphanet 666, MedGen C0023931, MONDO:0008146, OMIM 166200. Disease mechanism: loss of function.

Allele frequency attached by ClinVar (database versions not stated): gnomAD exomes below 0.00001; gnomAD 0.00001.
gnomAD v4.1: 4 of 1,548,968 alleles (0.00026%); highest among the groups gnomAD compares: Non-Finnish European, 0.00026%; no homozygotes.

Submission:

Labcorp Genetics (formerly Invitae), Labcorp
Classification: Uncertain significance for Osteogenesis imperfecta type I; Ehlers-Danlos syndrome, classic type, 1. Last evaluated: 2021-12-16. Review status: criteria provided, single submitter. Criteria: Invitae Variant Classification Sherloc (09022015). Collection method: clinical testing. Allele origin: germline.
Comment: In summary, the available evidence is currently insufficient to determine the role of this variant in disease. Therefore, it has been classified as a Variant of Uncertain Significance. Algorithms developed to predict the effect of missense changes on protein structure and function (SIFT, PolyPhen-2, Align-GVGD) all suggest that this variant is likely to be disruptive. This variant has not been reported in the literature in individuals affected with COL1A2-related conditions. This variant is not present in population databases (gnomAD no frequency). This sequence change replaces arginine, which is basic and polar, with glycine, which is neutral and non-polar, at codon 399 of the COL1A2 protein (p.Arg399Gly).

NM_000089.4(COL1A2):c.1195A>G (p.Arg399Gly)

Gene: COL1A2 (collagen type I alpha 2 chain; plus strand). Cytogenetic location: 7q21.3.
Variant type: single nucleotide variant.
Coding change: c.1195A>G on transcript NM_000089.4 (MANE Select); coding-DNA position 1195, A replaced by G.
Protein change: p.Arg399Gly; replaces arginine 399 with glycine.
Molecular consequence: missense variant.
Genome position (GRCh38, 1-based): chr7:94,410,525, A>G. VCF-style: chr7-94410525-A-G. GRCh37 (hg19) VCF-style: chr7-94039837-A-G.
Other names: short protein forms R399G.
Identifiers: ClinVar variation 1418636 (VCV001418636.6), dbSNP rs1213766484, ClinGen allele CA368221340.